The following is an entry in ClinVar:

ClinVar aggregate classification (germline): Benign/Likely benign. Review status: criteria provided, multiple submitters, no conflicts (2 of 4 stars). 3 submissions from 3 submitters: Benign (1); Likely benign (2). Last evaluated 2025-05-14.

Conditions:
Hereditary cancer-predisposing syndrome. Also called: Hereditary Cancer Syndrome; Neoplastic Syndromes, Hereditary; Hereditary neoplastic syndrome; Tumor predisposition. Identifiers: Orphanet 140162, MedGen C0027672, MeSH D009386, MONDO:0015356.
Tuberous sclerosis 2 (TSC2). Identifiers: Orphanet 805, MedGen C1860707, MONDO:0013199, OMIM 613254.

Submissions (3):

Myriad Genetics, Inc.
Classification: Benign for Tuberous sclerosis 2. Last evaluated: 2025-05-14. Review status: criteria provided, single submitter. Criteria: Myriad Autosomal Dominant, Autosomal Recessive and X-Linked Classification Criteria (2023). Collection method: clinical testing. Allele origin: unknown.
Comment: This variant is considered benign. This variant is a silent/synonymous amino acid change and it is not expected to impact splicing.

Labcorp Genetics (formerly Invitae), Labcorp
Classification: Likely benign for Tuberous sclerosis 2. Last evaluated: 2023-07-07. Review status: criteria provided, single submitter. Criteria: Invitae Variant Classification Sherloc (09022015). Collection method: clinical testing. Allele origin: germline.

Ambry Genetics
Classification: Likely benign for Hereditary cancer-predisposing syndrome. Last evaluated: 2022-12-15. Review status: criteria provided, single submitter. Criteria: Ambry Variant Classification Scheme 2023. Collection method: clinical testing. Allele origin: germline.

NM_000548.5(TSC2):c.1404G>C (p.Val468=)

Gene: TSC2 (TSC complex subunit 2; plus strand). Cytogenetic location: 16p13.3.
Variant type: single nucleotide variant.
Coding change: c.1404G>C on transcript NM_000548.5 (MANE Select); coding-DNA position 1404, G replaced by C.
Protein change: p.Val468=; no amino-acid change (valine 468 retained).
Molecular consequence: synonymous variant.
Genome position (GRCh38, 1-based): chr16:2,063,014, G>C. VCF-style: chr16-2063014-G-C. GRCh37 (hg19) VCF-style: chr16-2113015-G-C.
Other names: c.1404G>C (NM_000548.3); c.1404G>C, p.Val468= (NM_001077183.3, NM_001114382.3, NM_001363528.2 and 3 more transcripts); c.1293G>C, p.Val431= (NM_001318827.2); c.1257G>C, p.Val419= (NM_001318829.2); c.804G>C, p.Val268= (NM_001318831.2); c.1437G>C, p.Val479= (NM_001318832.2).
Identifiers: ClinVar variation 1652494 (VCV001652494.11), dbSNP rs778247396, ClinGen allele CA492962557.
Genomic context (GRCh38, chr16:2,063,014, plus strand): 5'-CAGGCTGCCGTCCCGCAGGAGCGAGTCCCGAGGCGCCGTGCGCATCAAGGTGCTGGACGT[G>C]CTGTCCTTTGTGCTGCTCATCAACAGGCAGTTCTATGAGGTGCGTGTCCAGGCGGCCGCA-3'
Protein context (NP_000539.2, residues 458-478): RGAVRIKVLD[Val468=]LSFVLLINRQ